The following is an entry in ClinVar:

NM_004371.4(COPA):c.2021G>T (p.Trp674Leu)

Gene: COPA (coat protein complex I subunit alpha; minus strand). Cytogenetic location: 1q23.2.
Variant type: single nucleotide variant.
Coding change: c.2021G>T on transcript NM_004371.4 (MANE Select); coding-DNA position 2021, G replaced by T.
Protein change: p.Trp674Leu; replaces tryptophan 674 with leucine.
Molecular consequence: missense variant.
Genome position (GRCh38, 1-based): chr1:160,297,702, C>A on the plus strand (G>T on the coding strand, the complement: COPA is on the minus strand). VCF-style: chr1-160297702-C-A. GRCh37 (hg19) VCF-style: chr1-160267492-C-A.
Other names: c.2048G>T, p.Trp683Leu (NM_001098398.2); short protein forms W683L, W674L.
Identifiers: ClinVar variation 4763412 (VCV004763412.1).

ClinVar aggregate classification (germline): Uncertain significance (1 of 4 stars; one submission).

Conditions:
Autoimmune interstitial lung disease-arthritis syndrome. Also called: Autoinflammation and autoimmunity, systemic, with immune dysregulation. Identifiers: Orphanet 444092, MedGen C5975714, MONDO:0014629.

Submission:

Labcorp Genetics (formerly Invitae), Labcorp
Classification: Uncertain significance for Autoimmune interstitial lung disease-arthritis syndrome. Last evaluated: 2026-01-24. Review status: criteria provided, single submitter. Criteria: Invitae Variant Classification Sherloc (09022015). Collection method: clinical testing. Allele origin: germline.
Comment: This sequence change replaces tryptophan, which is neutral and slightly polar, with leucine, which is neutral and non-polar, at codon 674 of the COPA protein (p.Trp674Leu). This variant is not present in population databases (gnomAD no frequency). This variant has not been reported in the literature in individuals affected with COPA-related conditions. Invitae Evidence Modeling of protein sequence and biophysical properties (such as structural, functional, and spatial information, amino acid conservation, physicochemical variation, residue mobility, and thermodynamic stability) indicates that this missense variant is expected to disrupt COPA protein function with a positive predictive value of 80%. In summary, the available evidence is currently insufficient to determine the role of this variant in disease. Therefore, it has been classified as a Variant of Uncertain Significance.